The following is an entry in ClinVar:

NM_000096.4(CP):c.2917dup (p.Thr973fs)

Gene: CP (ceruloplasmin; minus strand). Cytogenetic location: 3q24.
Variant type: Duplication.
Coding change: c.2917dup on transcript NM_000096.4 (MANE Select); coding-DNA position 2917, one base duplicated (A; older notation c.2917dupA).
Protein change: p.Thr973fs; shifts the reading frame from threonine 973.
Molecular consequence: frameshift variant. On other transcripts: non-coding transcript variant (1).
Genome position (GRCh38, 1-based): chr3:149,177,941, T duplicated on the plus strand (A on the coding strand, the reverse complement: CP is on the minus strand). VCF-style (leftmost placement, unchanged base first): chr3-149177940-G-GT. GRCh37 (hg19) VCF-style: chr3-148895727-G-GT.
Other names: c.2917insA; short protein forms T973fs.
Identifiers: ClinVar variation 42156 (VCV000042156.3), dbSNP rs386134154, ClinGen allele CA344617.

ClinVar aggregate classification (germline): Pathogenic (0 of 4 stars; one submission).

Conditions:
Deficiency of ferroxidase (ACEP). Also called: Deficiency of ceruloplasmin; Aceruloplasminemia; Ceruloplasmin deficiency; Familial apoceruloplasmin deficiency; Hereditary ceruloplasmin deficiency; NEURODEGENERATION WITH BRAIN IRON ACCUMULATION 10. Identifiers: Orphanet 48818, MedGen C0878682, MONDO:0011426, OMIM 604290, HP:0025498.

Submission:

GeneReviews
Classification: Pathogenic for Aceruloplasminemia. Last evaluated: 2013-04-18. Review status: no assertion criteria provided. Collection method: curation. Allele origin: unknown.
ClinVar note: Converted during submission from pathologic to Pathogenic.